The following is an entry in ClinVar:

ClinVar aggregate classification (germline): Uncertain significance. Review status: criteria provided, multiple submitters, no conflicts (2 of 4 stars). 2 submissions from 2 submitters: Uncertain significance (2). Last evaluated 2025-12-10.

Allele frequency attached by ClinVar (database versions not stated): gnomAD 0.00024 and 0.00022; ESP Exome Variant Server 0.00015.
gnomAD v4.1: 171 of 1,614,104 alleles (0.011%); highest among the groups gnomAD compares: Middle Eastern, 0.016%; no homozygotes.

Submissions (2):

Ambry Genetics
Classification: Uncertain significance. Last evaluated: 2025-12-10. Review status: criteria provided, single submitter. Criteria: Ambry Variant Classification Scheme 2023. Collection method: clinical testing. Allele origin: germline.

Labcorp Genetics (formerly Invitae), Labcorp
Classification: Uncertain significance. Last evaluated: 2025-01-13. Review status: criteria provided, single submitter. Criteria: Invitae Variant Classification Sherloc (09022015). Collection method: clinical testing. Allele origin: germline.
Comment: This sequence change replaces arginine, which is basic and polar, with histidine, which is basic and polar, at codon 480 of the C8A protein (p.Arg480His). This variant is present in population databases (rs373473282, gnomAD 0.04%). This variant has not been reported in the literature in individuals affected with C8A-related conditions. ClinVar contains an entry for this variant (Variation ID: 1390132). An algorithm developed to predict the effect of missense changes on protein structure and function (PolyPhen-2) suggests that this variant¬†is likely to be tolerated. In summary, the available evidence is currently insufficient to determine the role of this variant in disease. Therefore, it has been classified as a Variant of Uncertain Significance.

NM_000562.3(C8A):c.1439G>A (p.Arg480His)

Gene: C8A (complement C8 alpha chain; plus strand). Cytogenetic location: 1p32.2.
Variant type: single nucleotide variant.
Coding change: c.1439G>A on transcript NM_000562.3 (MANE Select); coding-DNA position 1439, G replaced by A.
Protein change: p.Arg480His; replaces arginine 480 with histidine.
Molecular consequence: missense variant.
Genome position (GRCh38, 1-based): chr1:56,912,461, G>A. VCF-style: chr1-56912461-G-A. GRCh37 (hg19) VCF-style: chr1-57378134-G-A.
Other names: c.1439G>A (NM_000562.2); short protein forms R480H.
Identifiers: ClinVar variation 1390132 (VCV001390132.8), dbSNP rs373473282, ClinGen allele CA875391.